The following is an entry in ClinVar:

ClinVar aggregate classification (germline): Uncertain significance (1 of 4 stars; one submission).

Conditions:
Hyperphosphatasia with impaired intellectual development syndrome 2. Also called: Hyperphosphatasia with intellectual disability syndrome 2; GLYCOSYLPHOSPHATIDYLINOSITOL BIOSYNTHESIS DEFECT 6. Identifiers: Orphanet 247262, MedGen C3553637, MONDO:0013882, OMIM 614749.

Allele frequency attached by ClinVar (database versions not stated): gnomAD exomes below 0.00001; TOPMed below 0.00001; gnomAD 0.00001.

Submission:

Labcorp Genetics (formerly Invitae), Labcorp
Classification: Uncertain significance for Hyperphosphatasia with impaired intellectual development syndrome 2. Last evaluated: 2022-10-13. Review status: criteria provided, single submitter. Criteria: Invitae Variant Classification Sherloc (09022015). Collection method: clinical testing. Allele origin: germline.
Comment: In summary, the available evidence is currently insufficient to determine the role of this variant in disease. Therefore, it has been classified as a Variant of Uncertain Significance. Advanced modeling of protein sequence and biophysical properties (such as structural, functional, and spatial information, amino acid conservation, physicochemical variation, residue mobility, and thermodynamic stability) performed at Invitae indicates that this missense variant is expected to disrupt PIGO protein function. ClinVar contains an entry for this variant (Variation ID: 1388651). This variant has not been reported in the literature in individuals affected with PIGO-related conditions. This variant is present in population databases (no rsID available, gnomAD 0.01%). This sequence change replaces tyrosine, which is neutral and polar, with cysteine, which is neutral and slightly polar, at codon 121 of the PIGO protein (p.Tyr121Cys).

NM_032634.4(PIGO):c.362A>G (p.Tyr121Cys)

Gene: PIGO (phosphatidylinositol glycan anchor biosynthesis class O; minus strand). Cytogenetic location: 9p13.3.
Variant type: single nucleotide variant.
Coding change: c.362A>G on transcript NM_032634.4 (MANE Select); coding-DNA position 362, A replaced by G.
Protein change: p.Tyr121Cys; replaces tyrosine 121 with cysteine.
Molecular consequence: missense variant.
Genome position (GRCh38, 1-based): chr9:35,095,204, T>C on the plus strand (A>G on the coding strand, the complement: PIGO is on the minus strand). VCF-style: chr9-35095204-T-C. GRCh37 (hg19) VCF-style: chr9-35095201-T-C.
Other names: c.362A>G, p.Tyr121Cys (NM_001201484.2, NM_152850.4); short protein forms Y121C.
Identifiers: ClinVar variation 1388651 (VCV001388651.6), dbSNP rs1283775272, ClinGen allele CA373324445.